The following is an entry in ClinVar:

ClinVar aggregate classification (germline): Uncertain significance (1 of 4 stars; one submission).

Conditions:
Generalized epilepsy with febrile seizures plus, type 9 (GEFSP9). Also called: GEFS+, TYPE 9. Identifiers: Orphanet 36387, MedGen C4015395, MONDO:0014517, OMIM 616172.

Allele frequency attached by ClinVar (database versions not stated): gnomAD exomes below 0.00001.
gnomAD v4.1: 2 of 1,613,664 alleles (0.00012%); highest among the groups gnomAD compares: East Asian, 0.0022%; no homozygotes.

Submission:

Labcorp Genetics (formerly Invitae), Labcorp
Classification: Uncertain significance for Generalized epilepsy with febrile seizures plus, type 9. Last evaluated: 2025-03-25. Review status: criteria provided, single submitter. Criteria: Invitae Variant Classification Sherloc (09022015). Collection method: clinical testing. Allele origin: germline.
Comment: This sequence change falls in intron 3 of the STX1B gene. It does not directly change the encoded amino acid sequence of the STX1B protein. It affects a nucleotide within the consensus splice site. This variant is present in population databases (rs542437163, gnomAD 0.003%). This variant has not been reported in the literature in individuals affected with STX1B-related conditions. ClinVar contains an entry for this variant (Variation ID: 858032). Variants that disrupt the consensus splice site are a relatively common cause of aberrant splicing (PMID: 17576681, 9536098). Algorithms developed to predict the effect of sequence changes on RNA splicing suggest that this variant may disrupt the consensus splice site. In summary, the available evidence is currently insufficient to determine the role of this variant in disease. Therefore, it has been classified as a Variant of Uncertain Significance.

Literature cited by the submitters: PubMed 17576681; PubMed 9536098.

NM_052874.5(STX1B):c.205+6T>C

Gene: STX1B (syntaxin 1B; minus strand). Cytogenetic location: 16p11.2.
Variant type: single nucleotide variant.
Coding change: c.205+6T>C on transcript NM_052874.5 (MANE Select); 6 bases into the intron after coding-DNA position 205, T replaced by C.
Molecular consequence: intron variant.
Genome position (GRCh38, 1-based): chr16:31,001,088, A>G on the plus strand (T>C on the coding strand, the complement: STX1B is on the minus strand). VCF-style: chr16-31001088-A-G. GRCh37 (hg19) VCF-style: chr16-31012409-A-G.
Identifiers: ClinVar variation 858032 (VCV000858032.9), dbSNP rs542437163, ClinGen allele CA280575826.
Genomic context (GRCh38, chr16:31,001,088, plus strand): 5'-GATGTCTGGGTGGGAACCCCAGGCCCCTTCTCCTCCCACCCCACAGTCACCGGCAGCCAC[A>G]CTCACTCTCATCTGGGTTGGGTGCGGCCAGGATGGCGCTATGCTGTTTTTTCACCTGCTC-3'